The following is an entry in ClinVar:

NM_002692.4(POLE2):c.1251A>C (p.Glu417Asp)

Gene: POLE2 (DNA polymerase epsilon 2, accessory subunit; minus strand). Cytogenetic location: 14q21.3.
Variant type: single nucleotide variant.
Coding change: c.1251A>C on transcript NM_002692.4 (MANE Select); coding-DNA position 1251, A replaced by C.
Protein change: p.Glu417Asp; replaces glutamic acid 417 with aspartic acid.
Molecular consequence: missense variant.
Genome position (GRCh38, 1-based): chr14:49,651,338, T>G on the plus strand (A>C on the coding strand, the complement: POLE2 is on the minus strand). VCF-style: chr14-49651338-T-G. GRCh37 (hg19) VCF-style: chr14-50118056-T-G.
Other names: c.1173A>C, p.Glu391Asp (NM_001197330.2); c.1251A>C, p.Glu417Asp (NM_001197331.3); c.1248A>C, p.Glu416Asp (NM_001348384.2); c.1020A>C, p.Glu340Asp (NM_001348385.2); short protein forms E340D, E417D, E391D, E416D.
Identifiers: ClinVar variation 1409799 (VCV001409799.8), dbSNP rs774466948, ClinGen allele CA7173327.

ClinVar aggregate classification (germline): Uncertain significance (1 of 4 stars; one submission).

Allele frequency attached by ClinVar (database versions not stated): ExAC 0.00001; gnomAD exomes 0.00002 and 0.00006; TOPMed 0.00003; gnomAD 0.00004.

Submission:

Labcorp Genetics (formerly Invitae), Labcorp
Classification: Uncertain significance. Last evaluated: 2026-01-06. Review status: criteria provided, single submitter. Criteria: Invitae Variant Classification Sherloc (09022015). Collection method: clinical testing. Allele origin: germline.
Comment: This sequence change replaces glutamic acid, which is acidic and polar, with aspartic acid, which is acidic and polar, at codon 417 of the POLE2 protein (p.Glu417Asp). This variant is present in population databases (rs774466948, gnomAD 0.004%). This variant has not been reported in the literature in individuals affected with POLE2-related conditions. ClinVar contains an entry for this variant (Variation ID: 1409799). An algorithm developed to predict the effect of missense changes on protein structure and function (PolyPhen-2) suggests that this variant is likely to be disruptive. In summary, the available evidence is currently insufficient to determine the role of this variant in disease. Therefore, it has been classified as a Variant of Uncertain Significance.